The following is an entry in ClinVar:

ClinVar aggregate classification (germline): Likely pathogenic (1 of 4 stars; one submission).

Conditions:
Supravalvar aortic stenosis (SVAS). Also called: Supravalvar aortic stenosis, Eisenberg type. Identifiers: Orphanet 3193, MedGen C0003499, MONDO:0008504, OMIM 185500, HP:0004381.

gnomAD v4.1: 1 of 1,607,238 alleles (0.000062%); highest among the groups gnomAD compares: Non-Finnish European, 0.000085%; no homozygotes.

Submission:

3billion
Classification: Likely pathogenic for Supravalvar aortic stenosis. Last evaluated: 2023-11-07. Review status: criteria provided, single submitter. Criteria: ACMG Guidelines, 2015. Collection method: clinical testing. Allele origin: germline. Affected: yes.
Comment: The variant is observed at an extremely low frequency in the gnomAD v2.1.1 dataset (total allele frequency: <0.001%). Predicted Consequence/Location: Canonical splice site: predicted to alter splicing and result in a loss or disruption of normal protein function. Multiple pathogenic loss-of-function variants are reported downstream of the variant. Therefore, this variant is classified as Likely pathogenic according to the recommendation of ACMG/AMP guideline.

NM_000501.4(ELN):c.1858+1G>A

Gene: ELN (elastin; plus strand). Cytogenetic location: 7q11.23.
Variant type: single nucleotide variant.
Coding change: c.1858+1G>A on transcript NM_000501.4 (MANE Select); the canonical splice donor site of the intron after coding-DNA position 1858, G replaced by A.
Molecular consequence: splice donor variant.
Genome position (GRCh38, 1-based): chr7:74,063,225, G>A. VCF-style: chr7-74063225-G-A. GRCh37 (hg19) VCF-style: chr7-73477555-G-A.
Other names: c.1873+1G>A (NM_001081754.3); c.1816+1G>A (NM_001081753.3); c.2044+1G>A (NM_001278939.2); c.1876+1G>A (NM_001278915.2); c.1858+1G>A (NM_001278912.2); c.1801+1G>A (NM_001081755.3); c.1714+1G>A (NM_001278916.2); c.1615+1G>A (NM_001278913.2); and 4 more.
Identifiers: ClinVar variation 3775791 (VCV003775791.1).